The following is an entry in ClinVar:

NM_004168.4(SDHA):c.1544T>C (p.Met515Thr)

Gene: SDHA (succinate dehydrogenase complex flavoprotein subunit A; plus strand). Cytogenetic location: 5p15.33.
Variant type: single nucleotide variant.
Coding change: c.1544T>C on transcript NM_004168.4 (MANE Select); coding-DNA position 1544, T replaced by C.
Protein change: p.Met515Thr; replaces methionine 515 with threonine.
Molecular consequence: missense variant.
Genome position (GRCh38, 1-based): chr5:240,469, T>C. VCF-style: chr5-240469-T-C. GRCh37 (hg19) VCF-style: chr5-240584-T-C.
Other names: c.1400T>C, p.Met467Thr (NM_001294332.2); c.1544T>C, p.Met515Thr (NM_001330758.2); short protein forms M467T, M515T.
Identifiers: ClinVar variation 2587074 (VCV002587074.4), dbSNP rs2477398704, ClinGen allele CA359014391.

ClinVar aggregate classification (germline): Uncertain significance. Review status: criteria provided, multiple submitters, no conflicts (2 of 4 stars). 2 submissions from 2 submitters: Uncertain significance (2). Last evaluated 2026-02-05.

Conditions:
Hereditary cancer-predisposing syndrome. Also called: Neoplastic Syndromes, Hereditary; Tumor predisposition; Hereditary Cancer Syndrome; Hereditary neoplastic syndrome. Identifiers: Orphanet 140162, MedGen C0027672, MeSH D009386, MONDO:0015356.
Mitochondrial complex II deficiency, nuclear type 1. Also called: SUCCINATE CoQ REDUCTASE DEFICIENCY. Identifiers: Orphanet 3208, MedGen C5700310, MONDO:0100294, OMIM 252011.
Pheochromocytoma/paraganglioma syndrome 5. Also called: Paragangliomas 5; SDHA-Related Hereditary Paraganglioma-Pheochromocytoma Syndrome. Identifiers: Orphanet 29072, MedGen C3279992, MONDO:0013602, OMIM 614165.

Allele frequency attached by ClinVar (database versions not stated): gnomAD exomes below 0.00001.
gnomAD v4.1: 3 of 1,600,952 alleles (0.00019%); highest among the groups gnomAD compares: South Asian, 0.0011%; no homozygotes.

Submissions (2):

Ambry Genetics
Classification: Uncertain significance for Hereditary cancer-predisposing syndrome. Last evaluated: 2026-02-05. Review status: criteria provided, single submitter. Criteria: Ambry Variant Classification Scheme 2023. Collection method: clinical testing. Allele origin: germline.
Comment: The p.M515T variant (also known as c.1544T>C), located in coding exon 11 of the SDHA gene, results from a T to C substitution at nucleotide position 1544. The methionine at codon 515 is replaced by threonine, an amino acid with similar properties. This amino acid position is conserved. In addition, this alteration is predicted to be deleterious by in silico analysis. Based on the available evidence, the clinical significance of this variant remains unclear.

Labcorp Genetics (formerly Invitae), Labcorp
Classification: Uncertain significance for Pheochromocytoma/paraganglioma syndrome 5; Mitochondrial complex II deficiency, nuclear type 1. Last evaluated: 2025-09-27. Review status: criteria provided, single submitter. Criteria: Invitae Variant Classification Sherloc (09022015). Collection method: clinical testing. Allele origin: germline.
Comment: This sequence change replaces methionine, which is neutral and non-polar, with threonine, which is neutral and polar, at codon 515 of the SDHA protein (p.Met515Thr). This variant is not present in population databases (gnomAD no frequency). This variant has not been reported in the literature in individuals affected with SDHA-related conditions. ClinVar contains an entry for this variant (Variation ID: 2587074). Invitae Evidence Modeling of protein sequence and biophysical properties (such as structural, functional, and spatial information, amino acid conservation, physicochemical variation, residue mobility, and thermodynamic stability) has been performed for this missense variant. However, the output from this modeling did not meet the statistical confidence thresholds required to predict the impact of this variant on SDHA protein function. In summary, the available evidence is currently insufficient to determine the role of this variant in disease. Therefore, it has been classified as a Variant of Uncertain Significance.